The following is an entry in ClinVar:

ClinVar aggregate classification (germline): Likely benign (0 of 4 stars; one submission).

Conditions:
ADCY3-related disorder. Also called: ADCY3-related condition.

Submission:

PreventionGenetics, part of Exact Sciences
Classification: Likely benign for ADCY3-related condition. Last evaluated: 2021-05-03. Review status: no assertion criteria provided. Collection method: clinical testing. Allele origin: germline.
Comment: This variant is classified as likely benign based on ACMG/AMP sequence variant interpretation guidelines (Richards et al. 2015 PMID: 25741868, with internal and published modifications).

NM_004036.5(ADCY3):c.1932C>G (p.Leu644=)

Gene: ADCY3 (adenylate cyclase 3; minus strand). Cytogenetic location: 2p23.3.
Variant type: single nucleotide variant.
Coding change: c.1932C>G on transcript NM_004036.5 (MANE Select); coding-DNA position 1932, C replaced by G.
Protein change: p.Leu644=; no amino-acid change (leucine 644 retained).
Molecular consequence: synonymous variant.
Genome position (GRCh38, 1-based): chr2:24,834,520, G>C on the plus strand (C>G on the coding strand, the complement: ADCY3 is on the minus strand). VCF-style: chr2-24834520-G-C. GRCh37 (hg19) VCF-style: chr2-25057389-G-C.
Other names: c.1932C>G, p.Leu644= (NM_001320613.2, NM_001377129.1, NM_001377130.1 and 1 more transcripts); c.1998C>G, p.Leu666= (NM_001377128.1); c.1209C>G, p.Leu403= (NM_001377131.1).
Identifiers: ClinVar variation 3352346 (VCV003352346.1).